The following is an entry in ClinVar:

ClinVar aggregate classification (germline): Conflicting classifications of pathogenicity. Review status: criteria provided, conflicting classifications (1 of 4 stars). 2 submissions from 2 submitters: Uncertain significance (1); Likely benign (1). Last evaluated 2026-01-02.

Conditions:
Hereditary cancer-predisposing syndrome. Also called: Neoplastic Syndromes, Hereditary; Hereditary neoplastic syndrome; Tumor predisposition; Hereditary Cancer Syndrome. Identifiers: Orphanet 140162, MedGen C0027672, MeSH D009386, MONDO:0015356.
Neuroblastoma, susceptibility to, 3. Also called: ALK-Related Neuroblastic Tumor Susceptibility. Identifiers: Orphanet 635, MedGen C2751681, MONDO:0013083, OMIM 613014.

Allele frequency attached by ClinVar (database versions not stated): gnomAD exomes below 0.00001; TOPMed below 0.00001; gnomAD 0.00001 and 0.00003.
gnomAD v4.1: 2 of 1,613,800 alleles (0.00012%); highest among the groups gnomAD compares: African/African-American, 0.0013%; no homozygotes.

Submissions (2):

Ambry Genetics
Classification: Likely benign for Hereditary cancer-predisposing syndrome. Last evaluated: 2026-01-02. Review status: criteria provided, single submitter. Criteria: Ambry Variant Classification Scheme 2023. Collection method: clinical testing. Allele origin: germline.

Labcorp Genetics (formerly Invitae), Labcorp
Classification: Uncertain significance for Neuroblastoma, susceptibility to, 3. Last evaluated: 2018-01-24. Review status: criteria provided, single submitter. Criteria: Invitae Variant Classification Sherloc (09022015). Collection method: clinical testing. Allele origin: germline.
Comment: In summary, the available evidence is currently insufficient to determine the role of this variant in disease. Therefore, it has been classified as a Variant of Uncertain Significance. Algorithms developed to predict the effect of missense changes on protein structure and function output the following: SIFT: "Deleterious"; PolyPhen-2: "Benign"; Align-GVGD: "Class C0". The asparagine amino acid residue is found in multiple mammalian species, suggesting that this missense change does not adversely affect protein function. These predictions have not been confirmed by published functional studies and their clinical significance is uncertain. This variant has not been reported in the literature in individuals with ALK-related disease. This variant is not present in population databases (ExAC no frequency). This sequence change replaces serine with asparagine at codon 341 of the ALK protein (p.Ser341Asn). The serine residue is moderately conserved and there is a small physicochemical difference between serine and asparagine.

NM_004304.5(ALK):c.1022G>A (p.Ser341Asn)

Gene: ALK (ALK receptor tyrosine kinase; minus strand). Cytogenetic location: 2p23.2.
Variant type: single nucleotide variant.
Coding change: c.1022G>A on transcript NM_004304.5 (MANE Select); coding-DNA position 1022, G replaced by A.
Protein change: p.Ser341Asn; replaces serine 341 with asparagine.
Molecular consequence: missense variant.
Genome position (GRCh38, 1-based): chr2:29,532,047, C>T on the plus strand (G>A on the coding strand, the complement: ALK is on the minus strand). VCF-style: chr2-29532047-C-T. GRCh37 (hg19) VCF-style: chr2-29754913-C-T.
Other names: short protein forms S341N.
Identifiers: ClinVar variation 567783 (VCV000567783.9), dbSNP rs1279941719, ClinGen allele CA346587438.